The following is an entry in ClinVar:

NM_007194.4(CHEK2):c.-6-6T>C

Gene: CHEK2 (checkpoint kinase 2; minus strand). Cytogenetic location: 22q12.1.
Variant type: single nucleotide variant.
Coding change: c.-6-6T>C on transcript NM_007194.4 (MANE Select); 6 bases into the intron before 6 bases upstream of the start codon, T replaced by C.
Molecular consequence: intron variant.
Genome position (GRCh38, 1-based): chr22:28,734,733, A>G on the plus strand (T>C on the coding strand, the complement: CHEK2 is on the minus strand). VCF-style: chr22-28734733-A-G. GRCh37 (hg19) VCF-style: chr22-29130721-A-G.
Other names: c.-345+7036T>C (NM_001437942.1); c.-6-6T>C (NM_001349956.3, NM_145862.3, NM_001438295.1 and 3 more transcripts); c.-783-6T>C (NM_001257387.3).
Identifiers: ClinVar variation 2775082 (VCV002775082.2), dbSNP rs2146157952, ClinGen allele CA2697552652.

ClinVar aggregate classification (germline): Conflicting classifications of pathogenicity. Review status: criteria provided, conflicting classifications (1 of 4 stars). 2 submissions from 2 submitters: Uncertain significance (1); Likely benign (1). Last evaluated 2024-10-01.

Conditions:
Familial cancer of breast. Also called: Hereditary breast cancer; BREAST CANCER, FAMILIAL; hereditary breast carcinoma. Identifiers: Orphanet 227535, MedGen C0346153, MONDO:0016419, OMIM 114480. Disease mechanism: loss of function.
Hereditary cancer-predisposing syndrome. Also called: Neoplastic Syndromes, Hereditary; Tumor predisposition; Hereditary Cancer Syndrome; Hereditary neoplastic syndrome. Identifiers: Orphanet 140162, MedGen C0027672, MeSH D009386, MONDO:0015356.

Submissions (2):

Myriad Genetics, Inc.
Classification: Likely benign for Familial cancer of breast. Last evaluated: 2024-10-01. Review status: criteria provided, single submitter. Criteria: Myriad Autosomal Dominant, Autosomal Recessive and X-Linked Classification Criteria (2023). Collection method: clinical testing. Allele origin: unknown.
Comment: This variant is considered likely benign. This variant is intronic and is not expected to impact mRNA splicing.

Color Diagnostics, LLC DBA Color Health
Classification: Uncertain significance for Hereditary cancer-predisposing syndrome. Last evaluated: 2023-10-30. Review status: criteria provided, single submitter. Criteria: ACMG Guidelines, 2015. Collection method: clinical testing. Allele origin: germline.
Comment: This variant causes a T to C nucleotide substitution at the -6 position of intron 1 of the CHEK2 gene. To our knowledge, functional studies have not been reported for this variant. This variant has not been reported in individuals affected with CHEK2-related disorders in the literature. This variant has not been identified in the general population by the Genome Aggregation Database (gnomAD). The available evidence is insufficient to determine the role of this variant in disease conclusively. Therefore, this variant is classified as a Variant of Uncertain Significance.